The following is an entry in ClinVar:

NM_001042413.2(GLIS3):c.89C>T (p.Ala30Val)

Gene: GLIS3 (GLIS family zinc finger 3; minus strand). Cytogenetic location: 9p24.2.
Variant type: single nucleotide variant.
Coding change: c.89C>T on transcript NM_001042413.2 (MANE Select); coding-DNA position 89, C replaced by T.
Protein change: p.Ala30Val; replaces alanine 30 with valine.
Molecular consequence: missense variant.
Genome position (GRCh38, 1-based): chr9:4,286,337, G>A on the plus strand (C>T on the coding strand, the complement: GLIS3 is on the minus strand). VCF-style: chr9-4286337-G-A. GRCh37 (hg19) VCF-style: chr9-4286337-G-A.
Other names: short protein forms A30V.
Identifiers: ClinVar variation 913007 (VCV000913007.5), dbSNP rs114010705, ClinGen allele CA4968708.
Genomic context (GRCh38, chr9:4,286,337, plus strand): 5'-GTGGGACTCGATGTGCTGCCACAGGGCGAGGGGCCAGGAGTCCCGGAGTGGGCTCGGATG[G>A]CAGGAATGTGATGACCACTGACCATCCTAGGCCCCTGTGGGGTTCCCGATGTCCGGTGGA-3'
Protein context (NP_001035878.1, residues 20-40): PRMVSGHHIP[Ala30Val]IRAHSGTPGP

ClinVar aggregate classification (germline): Likely benign. Review status: criteria provided, multiple submitters, no conflicts (2 of 4 stars). 2 submissions from 2 submitters: Likely benign (2). Last evaluated 2025-09-10.

Conditions:
Neonatal diabetes mellitus with congenital hypothyroidism. Also called: NDH SYNDROME. Identifiers: Orphanet 79118, MedGen C1857775, MONDO:0012436, OMIM 610199.

Allele frequency attached by ClinVar (database versions not stated): gnomAD exomes 0.00002; TOPMed 0.00013; gnomAD 0.00018; 1000 Genomes Project 0.00040; 1000 Genomes Project 30x 0.00047.
gnomAD v4.1: 58 of 1,614,220 alleles (0.0036%); highest among the groups gnomAD compares: African/African-American, 0.069%; no homozygotes.

Submissions (2):

Genomic Medicine Center of Excellence, King Faisal Specialist Hospital and Research Centre
Classification: Likely benign for Neonatal diabetes mellitus with congenital hypothyroidism. Last evaluated: 2025-09-10. Review status: criteria provided, single submitter. Criteria: ACMG Guidelines, 2015. Collection method: clinical testing. Allele origin: germline.

Illumina Laboratory Services, Illumina
Classification: Likely benign for Neonatal diabetes mellitus with congenital hypothyroidism. Last evaluated: 2017-04-27. Review status: criteria provided, single submitter. Criteria: ICSL Variant Classification Criteria 13 December 2019. Collection method: clinical testing. Allele origin: germline.
Comment: This variant was observed as part of a predisposition screen in an ostensibly healthy population. A literature search was performed for the gene, cDNA change, and amino acid change (where applicable). No publications were found based on this search. Allele frequency data from public databases allowed determination this variant is unlikely to cause disease. Therefore, this variant is classified as likely benign.